The following is an entry in ClinVar:

NM_001369268.1(ACAN):c.7587G>C (p.Gln2529His)

Gene: ACAN (aggrecan; plus strand). Cytogenetic location: 15q26.1.
Variant type: single nucleotide variant.
Coding change: c.7587G>C on transcript NM_001369268.1 (MANE Select); coding-DNA position 7587, G replaced by C.
Protein change: p.Gln2529His; replaces glutamine 2529 with histidine.
Molecular consequence: missense variant. On other transcripts: intron variant (1).
Genome position (GRCh38, 1-based): chr15:88,873,981, G>C. VCF-style: chr15-88873981-G-C. GRCh37 (hg19) VCF-style: chr15-89417212-G-C.
Other names: c.7359G>C, p.Gln2453His (NM_001411096.1); c.7473G>C, p.Gln2491His (NM_001411097.1, NM_013227.4); c.7220-424G>C (NM_001135.4); short protein forms Q2529H, Q2491H, Q2453H.
Identifiers: ClinVar variation 3656132 (VCV003656132.2).

ClinVar aggregate classification (germline): Uncertain significance (1 of 4 stars; one submission).

gnomAD v4.1: 1 of 1,612,958 alleles (0.000062%); highest among the groups gnomAD compares: Non-Finnish European, 0.000085%; no homozygotes.

Submission:

Labcorp Genetics (formerly Invitae), Labcorp
Classification: Uncertain significance. Last evaluated: 2024-07-23. Review status: criteria provided, single submitter. Criteria: Invitae Variant Classification Sherloc (09022015). Collection method: clinical testing. Allele origin: germline.
Comment: This sequence change replaces glutamine, which is neutral and polar, with histidine, which is basic and polar, at codon 2491 of the ACAN protein (p.Gln2491His). This variant is not present in population databases (gnomAD no frequency). This variant has not been reported in the literature in individuals affected with ACAN-related conditions. An algorithm developed to predict the effect of missense changes on protein structure and function (PolyPhen-2) suggests that this variant is likely to be disruptive. In summary, the available evidence is currently insufficient to determine the role of this variant in disease. Therefore, it has been classified as a Variant of Uncertain Significance.